The following is an entry in ClinVar:

ClinVar aggregate classification (germline): Uncertain significance. Review status: criteria provided, multiple submitters, no conflicts (2 of 4 stars). 4 submissions from 4 submitters: Uncertain significance (3). 1 of the submissions does not count toward it. Last evaluated 2025-06-10.

Conditions:
Ehlers-Danlos syndrome, dermatosparaxis type. Also called: Ehlers-Danlos syndrome, type VII, autosomal recessive; EDS VIIC; Dermatosparaxis. Identifiers: Orphanet 1901, MedGen C2700425, MONDO:0009161, OMIM 225410.

Allele frequency attached by ClinVar (database versions not stated): ESP Exome Variant Server 0.00008.
gnomAD v4.1: 21 of 1,614,080 alleles (0.0013%); highest among the groups gnomAD compares: Non-Finnish European, 0.0018%; no homozygotes.

Submissions (4):

Women's Health and Genetics/Laboratory Corporation of America, LabCorp
Classification: Uncertain significance. Last evaluated: 2025-06-10. Review status: criteria provided, single submitter. Criteria: LabCorp Variant Classification Summary - May 2015. Collection method: clinical testing. Allele origin: germline.
Comment: Variant summary: ADAMTS2 c.3503A>C (p.His1168Pro) results in a non-conservative amino acid change in the encoded protein sequence. Algorithms developed to predict the effect of missense changes on protein structure and function are either unavailable or do not agree on the potential impact of this missense change. The variant allele was found at a frequency of 1.2e-05 in 251496 control chromosomes. The available data on variant occurrences in the general population are insufficient to allow any conclusion about variant significance. To our knowledge, no occurrence of c.3503A>C in individuals affected with Ehlers-Danlos syndrome, dermatosparaxis type and no experimental evidence demonstrating its impact on protein function have been reported. ClinVar contains an entry for this variant (Variation ID: 1191237). Based on the evidence outlined above, the variant was classified as uncertain significance.

Labcorp Genetics (formerly Invitae), Labcorp
Classification: Uncertain significance for Ehlers-Danlos syndrome, dermatosparaxis type. Last evaluated: 2022-02-11. Review status: criteria provided, single submitter. Criteria: Invitae Variant Classification Sherloc (09022015). Collection method: clinical testing. Allele origin: germline.
Comment: This sequence change replaces histidine, which is basic and polar, with proline, which is neutral and non-polar, at codon 1168 of the ADAMTS2 protein (p.His1168Pro). This variant is present in population databases (rs141541318, gnomAD 0.002%). This variant has not been reported in the literature in individuals affected with ADAMTS2-related conditions. ClinVar contains an entry for this variant (Variation ID: 1191237). Algorithms developed to predict the effect of missense changes on protein structure and function output the following: SIFT: "Tolerated"; PolyPhen-2: "Benign"; Align-GVGD: "Class C0". The proline amino acid residue is found in multiple mammalian species, which suggests that this missense change does not adversely affect protein function. In summary, the available evidence is currently insufficient to determine the role of this variant in disease. Therefore, it has been classified as a Variant of Uncertain Significance.

GeneDx
Classification: Uncertain significance. Last evaluated: 2019-07-22. Review status: criteria provided, single submitter. Criteria: GeneDx Variant Classification Process June 2021. Collection method: clinical testing. Allele origin: germline. Affected: yes.
Comment: Not observed at a significant frequency in large population cohorts (Lek et al., 2016); In silico analysis, which includes protein predictors and evolutionary conservation, supports that this variant does not alter protein structure/function; Has not been previously published as pathogenic or benign to our knowledge

Natera, Inc.
Classification: Uncertain significance for Ehlers-Danlos syndrome type VIIC. Last evaluated: 2021-10-19. Review status: no assertion criteria provided. Collection method: clinical testing. Allele origin: germline. Not counted in ClinVar's aggregate classification.

NM_014244.5(ADAMTS2):c.3503A>C (p.His1168Pro)

Gene: ADAMTS2 (ADAM metallopeptidase with thrombospondin type 1 motif 2; minus strand). Cytogenetic location: 5q35.3.
Variant type: single nucleotide variant.
Coding change: c.3503A>C on transcript NM_014244.5 (MANE Select); coding-DNA position 3503, A replaced by C.
Protein change: p.His1168Pro; replaces histidine 1168 with proline.
Molecular consequence: missense variant.
Genome position (GRCh38, 1-based): chr5:179,114,000, T>G on the plus strand (A>C on the coding strand, the complement: ADAMTS2 is on the minus strand). VCF-style: chr5-179114000-T-G. GRCh37 (hg19) VCF-style: chr5-178541001-T-G.
Other names: short protein forms H1168P.
Identifiers: ClinVar variation 1191237 (VCV001191237.6), dbSNP rs141541318, ClinGen allele CA133019308.